The following is an entry in ClinVar:

ClinVar aggregate classification (germline): Uncertain significance (1 of 4 stars; one submission).

Conditions:
Muscular dystrophy-dystroglycanopathy (congenital with brain and eye anomalies), type A14. Also called: Congenital muscular dystrophy-dystroglycanopathy with brain and eye anomalies, type A14; WALKER-WARBURG SYNDROME OR MUSCLE-EYE-BRAIN DISEASE, GMPPB-RELATED; Muscular dystrophy-dystroglycanopathy (congenital with brain and eye anomalies), type a, 14; Congenital Muscular Dystrophy-Dystroglycanopathy with Brain and Eye Anomalies Type A 14. Identifiers: Orphanet 588, MedGen C3809216, MONDO:0014140, OMIM 615350.
Muscular dystrophy-dystroglycanopathy (congenital with impaired intellectual development), type B, 14. Also called: Congenital muscular dystrophy-dystroglycanopathy with mental retardation, type B14; MUSCULAR DYSTROPHY, CONGENITAL, GMPPB-RELATED; Muscular dystrophy-dystroglycanopathy (congenital with intellectual disability), type B14. Identifiers: MedGen C3809221, MONDO:0014141, OMIM 615351.
Autosomal recessive limb-girdle muscular dystrophy type 2T. Also called: Limb-girdle muscular dystrophy-dystroglycanopathy, type C14; MUSCULAR DYSTROPHY-DYSTROGLYCANOPATHY, LIMB-GIRDLE, GMPPB-RELATED; MUSCULAR DYSTROPHY, LIMB-GIRDLE, TYPE 2T; Muscular dystrophy-dystroglycanopathy (limb-girdle), type c, 14. Identifiers: Orphanet 363623, MedGen C4518000, MONDO:0014142, OMIM 615352.

Allele frequency attached by ClinVar (database versions not stated): TOPMed 0.00001.

Submission:

Labcorp Genetics (formerly Invitae), Labcorp
Classification: Uncertain significance for Autosomal recessive limb-girdle muscular dystrophy type 2T; Muscular dystrophy-dystroglycanopathy (congenital with brain and eye anomalies), type A14; Muscular dystrophy-dystroglycanopathy (congenital with impaired intellectual development), type B, 14. Last evaluated: 2020-08-29. Review status: criteria provided, single submitter. Criteria: Invitae Variant Classification Sherloc (09022015). Collection method: clinical testing. Allele origin: germline.
Comment: This sequence change replaces valine with leucine at codon 314 of the GMPPB protein (p.Val314Leu). The valine residue is highly conserved and there is a small physicochemical difference between valine and leucine. This variant is not present in population databases (ExAC no frequency). This variant has not been reported in the literature in individuals with GMPPB-related conditions. Algorithms developed to predict the effect of missense changes on protein structure and function are either unavailable or do not agree on the potential impact of this missense change (SIFT: "Deleterious"; PolyPhen-2: "Benign"; Align-GVGD: "Class C0"). In summary, the available evidence is currently insufficient to determine the role of this variant in disease. Therefore, it has been classified as a Variant of Uncertain Significance.

NM_021971.4(GMPPB):c.940G>T (p.Val314Leu)

Gene: GMPPB (GDP-mannose pyrophosphorylase B; minus strand). Cytogenetic location: 3p21.31.
Variant type: single nucleotide variant.
Coding change: c.940G>T on transcript NM_021971.4 (MANE Select); coding-DNA position 940, G replaced by T.
Protein change: p.Val314Leu; replaces valine 314 with leucine.
Molecular consequence: missense variant.
Genome position (GRCh38, 1-based): chr3:49,721,976, C>A on the plus strand (G>T on the coding strand, the complement: GMPPB is on the minus strand). VCF-style: chr3-49721976-C-A. GRCh37 (hg19) VCF-style: chr3-49759409-C-A.
Other names: c.940G>T, p.Val314Leu (NM_013334.4); short protein forms V314L.
Identifiers: ClinVar variation 864638 (VCV000864638.7), dbSNP rs1343235792, ClinGen allele CA352826784.